The following is an entry in ClinVar:

ClinVar aggregate classification (germline): Uncertain significance (1 of 4 stars; one submission).

Conditions:
Inborn genetic diseases. Identifiers: MedGen C0950123, MeSH D030342.

gnomAD v4.1: 1 of 1,614,126 alleles (0.000062%); highest among the groups gnomAD compares: Non-Finnish European, 0.000085%; no homozygotes.

Submission:

Ambry Genetics
Classification: Uncertain significance for Inborn genetic diseases. Last evaluated: 2025-10-14. Review status: criteria provided, single submitter. Criteria: Ambry Variant Classification Scheme 2023. Collection method: clinical testing. Allele origin: germline.
Comment: The p.G179V variant (also known as c.536G>T) is located in coding exon 5 of the G6PC3 gene. The glycine at codon 179 is replaced by valine, an amino acid with dissimilar properties. This change occurs in the first base pair of coding exon 5. This amino acid position is conserved. In addition, this alteration is predicted to be deleterious by in silico analysis. Based on the available evidence, the clinical significance of this variant remains unclear.

NM_138387.4(G6PC3):c.536G>T (p.Gly179Val)

Gene: G6PC3 (glucose-6-phosphatase catalytic subunit 3; plus strand). Cytogenetic location: 17q21.31.
Variant type: single nucleotide variant.
Coding change: c.536G>T on transcript NM_138387.4 (MANE Select); coding-DNA position 536, G replaced by T.
Protein change: p.Gly179Val; replaces glycine 179 with valine.
Molecular consequence: missense variant.
Genome position (GRCh38, 1-based): chr17:44,075,310, G>T. VCF-style: chr17-44075310-G-T. GRCh37 (hg19) VCF-style: chr17-42152678-G-T.
Other names: c.417G>T, p.Arg139Ser (NM_001319945.2); c.191G>T, p.Gly64Val (NM_001384165.1, NM_001384166.1, NM_001384167.1 and 1 more transcripts); short protein forms G64V, G179V, R139S.
Identifiers: ClinVar variation 4620500 (VCV004620500.1).